The following is an entry in ClinVar:

ClinVar aggregate classification (germline): Likely pathogenic (1 of 4 stars; one submission).

Conditions:
Primary ciliary dyskinesia 3. Identifiers: Orphanet 244, MedGen C1837618, MONDO:0012085, OMIM 608644.

Submission:

Myriad Genetics, Inc.
Classification: Likely pathogenic for Primary ciliary dyskinesia 3. Last evaluated: 2022-04-01. Review status: criteria provided, single submitter. Criteria: Myriad Women's Health Autosomal Recessive and X-Linked Classification Criteria (2021). Collection method: clinical testing. Allele origin: unknown.
Comment: NM_001369.2(DNAH5):c.2724_2727delTTAC(N908Kfs*17) is expected to be pathogenic in the context of DNAH5-related primary ciliary dyskinesia. This variant is predicted to lead to an abnormal or absent protein product due to the creation of a premature termination codon in DNAH5, a gene where loss-of-function variants are known to be pathogenic. Please note: this variant was assessed in the context of healthy population screening.

NM_001369.3(DNAH5):c.2724_2727del (p.Asn908fs)

Genes: DNAH5-AS1 (DNAH5 antisense RNA 1; plus strand), DNAH5 (dynein axonemal heavy chain 5; minus strand). Cytogenetic location: 5p15.2.
Variant type: Deletion.
Coding change: c.2724_2727del on transcript NM_001369.3 (MANE Select); coding-DNA positions 2724 to 2727, 4 bases deleted (TTAC; older notation c.2724_2727delTTAC).
Protein change: p.Asn908fs; shifts the reading frame from asparagine 908.
Molecular consequence: frameshift variant.
Genome position (GRCh38, 1-based): chr5:13,885,980-13,885,983, GTAA deleted on the plus strand (TTAC on the coding strand, the reverse complement: DNAH5 is on the minus strand). VCF-style (leftmost placement, unchanged base first): chr5-13885979-TGTAA-T. GRCh37 (hg19) VCF-style: chr5-13886088-TGTAA-T.
Other names: short protein forms N908fs.
Identifiers: ClinVar variation 1725806 (VCV001725806.2), dbSNP rs2547042246, ClinGen allele CA2580072161.